The following is an entry in ClinVar:

ClinVar aggregate classification (germline): Uncertain significance (1 of 4 stars; one submission).

Allele frequency attached by ClinVar (database versions not stated): TOPMed below 0.00001; gnomAD exomes 0.00001.
gnomAD v4.1: 16 of 1,612,974 alleles (0.00099%); highest among the groups gnomAD compares: Middle Eastern, 0.017%; no homozygotes.

Submission:

Labcorp Genetics (formerly Invitae), Labcorp
Classification: Uncertain significance. Last evaluated: 2025-11-17. Review status: criteria provided, single submitter. Criteria: Invitae Variant Classification Sherloc (09022015). Collection method: clinical testing. Allele origin: germline.
Comment: This sequence change replaces alanine, which is neutral and non-polar, with aspartic acid, which is acidic and polar, at codon 1428 of the SPEG protein (p.Ala1428Asp). This variant is present in population databases (no rsID available, gnomAD 0.006%). This variant has not been reported in the literature in individuals affected with SPEG-related conditions. ClinVar contains an entry for this variant (Variation ID: 2413693). An algorithm developed to predict the effect of missense changes on protein structure and function (PolyPhen-2) suggests that this variant is likely to be disruptive. In summary, the available evidence is currently insufficient to determine the role of this variant in disease. Therefore, it has been classified as a Variant of Uncertain Significance.

NM_005876.5(SPEG):c.4283C>A (p.Ala1428Asp)

Gene: SPEG (striated muscle enriched protein kinase; plus strand). Cytogenetic location: 2q35.
Variant type: single nucleotide variant.
Coding change: c.4283C>A on transcript NM_005876.5 (MANE Select); coding-DNA position 4283, C replaced by A.
Protein change: p.Ala1428Asp; replaces alanine 1428 with aspartic acid.
Molecular consequence: missense variant.
Genome position (GRCh38, 1-based): chr2:219,473,739, C>A. VCF-style: chr2-219473739-C-A. GRCh37 (hg19) VCF-style: chr2-220338461-C-A.
Other names: short protein forms A1428D.
Identifiers: ClinVar variation 2413693 (VCV002413693.6), dbSNP rs1375424532, ClinGen allele CA350677806.